The following is an entry in ClinVar:

NM_001042492.3(NF1):c.5985A>C (p.Lys1995Asn)

Gene: NF1 (neurofibromin 1; plus strand). Cytogenetic location: 17q11.2.
Variant type: single nucleotide variant.
Coding change: c.5985A>C on transcript NM_001042492.3 (MANE Select); coding-DNA position 5985, A replaced by C.
Protein change: p.Lys1995Asn; replaces lysine 1995 with asparagine.
Molecular consequence: missense variant.
Genome position (GRCh38, 1-based): chr17:31,335,010, A>C. VCF-style: chr17-31335010-A-C. GRCh37 (hg19) VCF-style: chr17-29662028-A-C.
Other names: c.5922A>C, p.Lys1974Asn (NM_000267.4); short protein forms K1974N, K1995N.
Identifiers: ClinVar variation 3634579 (VCV003634579.2).
Genomic context (GRCh38, chr17:31,335,010, plus strand): 5'-TGACAAGCTGATAACAATGACCATCAATGAAAAACAGATGTACCCATCTATTCAAGCAAA[A>C]ATATGGGGAAGCCTTGGGCAGGTATTGAGTTTGCTCAAATATTTATCTAGTATCTCCTTT-3'
Protein context (NP_001035957.1, residues 1985-2005): EKQMYPSIQA[Lys1995Asn]IWGSLGQITD

ClinVar aggregate classification (germline): Uncertain significance (1 of 4 stars; one submission).

Conditions:
Neurofibromatosis, type 1 (NF1). Also called: VON RECKLINGHAUSEN DISEASE; Peripheral type neurofibromatosis; NEUROFIBROMATOSIS, TYPE I, SOMATIC; Neurofibromatosis, type I. Identifiers: Orphanet 636, MedGen C0027831, MONDO:0018975, OMIM 162200. Disease mechanism: loss of function.

Submission:

Labcorp Genetics (formerly Invitae), Labcorp
Classification: Uncertain significance for Neurofibromatosis, type 1. Last evaluated: 2024-04-22. Review status: criteria provided, single submitter. Criteria: Invitae Variant Classification Sherloc (09022015). Collection method: clinical testing. Allele origin: germline.
Comment: This sequence change replaces lysine, which is basic and polar, with asparagine, which is neutral and polar, at codon 1974 of the NF1 protein (p.Lys1974Asn). This variant is not present in population databases (gnomAD no frequency). This variant has not been reported in the literature in individuals affected with NF1-related conditions. Advanced modeling of protein sequence and biophysical properties (such as structural, functional, and spatial information, amino acid conservation, physicochemical variation, residue mobility, and thermodynamic stability) performed at Invitae indicates that this missense variant is expected to disrupt NF1 protein function with a positive predictive value of 95%. In summary, the available evidence is currently insufficient to determine the role of this variant in disease. Therefore, it has been classified as a Variant of Uncertain Significance.